The following is an entry in ClinVar:

NM_001113491.2(SEPTIN9):c.1041C>T (p.His347=)

Gene: SEPTIN9 (septin 9; plus strand). Cytogenetic location: 17q25.3.
Variant type: single nucleotide variant.
Coding change: c.1041C>T on transcript NM_001113491.2 (MANE Select); coding-DNA position 1041, C replaced by T.
Protein change: p.His347=; no amino-acid change (histidine 347 retained).
Molecular consequence: synonymous variant.
Genome position (GRCh38, 1-based): chr17:77,487,551, C>T. VCF-style: chr17-77487551-C-T. GRCh37 (hg19) VCF-style: chr17-75483633-C-T.
Other names: p.His329=; c.549C>T, p.His183= (NM_001113492.2, NM_001113494.1); c.1020C>T, p.His340= (NM_001113493.2); c.288C>T, p.His96= (NM_001113495.2, NM_001113496.2, NM_001293697.2 and 1 more transcripts); c.984C>T, p.His328= (NM_001293695.2); c.369C>T, p.His123= (NM_001293696.2); c.987C>T, p.His329= (NM_006640.5).
Identifiers: ClinVar variation 325553 (VCV000325553.15), dbSNP rs200363929, ClinGen allele CA8793635.

ClinVar aggregate classification (germline): Benign. Review status: criteria provided, multiple submitters, no conflicts (2 of 4 stars). 4 submissions from 4 submitters: Benign (4). Last evaluated 2026-01-25.

Conditions:
Amyotrophic neuralgia (HNA). Also called: AMYOTROPHY, HEREDITARY NEURALGIC; Hereditary Brachial Plexus Neuropathy; Neuritis with Brachial Predilection; AMYOTROPHY, HEREDITARY NEURALGIC, WITH PREDILECTION FOR BRACHIAL PLEXUS. Identifiers: Orphanet 2901, MedGen C1834304, MONDO:0008076, OMIM 162100.

Allele frequency attached by ClinVar (database versions not stated): ESP Exome Variant Server 0.00008; gnomAD 0.00011 and 0.00061; TOPMed 0.00015; 1000 Genomes Project 30x 0.00390; 1000 Genomes Project 0.00459.
gnomAD v4.1: 1,542 of 1,613,208 alleles (0.096%); highest among the groups gnomAD compares: South Asian, 1.5%; 22 homozygotes.

Submissions (4):

Labcorp Genetics (formerly Invitae), Labcorp
Classification: Benign. Last evaluated: 2026-01-25. Review status: criteria provided, single submitter. Criteria: Invitae Variant Classification Sherloc (09022015). Collection method: clinical testing. Allele origin: germline.

Mayo Clinic Laboratories, Mayo Clinic
Classification: Benign. Last evaluated: 2025-08-25. Review status: criteria provided, single submitter. Criteria: ACMG Guidelines, 2015. Collection method: clinical testing. Allele origin: germline. Observed: 1 variant allele.
Comment: BS1, BS2, BP4, BP7

Genome-Nilou Lab
Classification: Benign for Amyotrophic neuralgia. Last evaluated: 2021-12-05. Review status: criteria provided, single submitter. Criteria: ACMG Guidelines, 2015. Collection method: clinical testing. Allele origin: germline. Affected: no.

Illumina Laboratory Services, Illumina
Classification: Benign for Amyotrophy, hereditary neuralgic. Last evaluated: 2018-01-13. Review status: criteria provided, single submitter. Criteria: ICSL Variant Classification Criteria 13 December 2019. Collection method: clinical testing. Allele origin: germline.
Comment: This variant was observed in the ICSL laboratory as part of a predisposition screen in an ostensibly healthy population. It had not been previously curated by ICSL or reported in the Human Gene Mutation Database (HGMD: prior to June 1st, 2018), and was therefore a candidate for classification through an automated scoring system. Utilizing variant allele frequency, disease prevalence and penetrance estimates, and inheritance mode, an automated score was calculated to assess if this variant is too frequent to cause the disease. Based on the score and internal cut-off values, a variant classified as benign is not then subjected to further curation. The score for this variant resulted in a classification of benign for this disease.